The following is an entry in ClinVar:

ClinVar aggregate classification (germline): Uncertain significance (1 of 4 stars; one submission).

Allele frequency attached by ClinVar (database versions not stated): TOPMed below 0.00001; gnomAD 0.00001; gnomAD exomes 0.00001.
gnomAD v4.1: 6 of 1,609,780 alleles (0.00037%); highest among the groups gnomAD compares: East Asian, 0.009%; no homozygotes.

Submission:

Labcorp Genetics (formerly Invitae), Labcorp
Classification: Uncertain significance. Last evaluated: 2022-07-08. Review status: criteria provided, single submitter. Criteria: Invitae Variant Classification Sherloc (09022015). Collection method: clinical testing. Allele origin: germline.
Comment: This variant has not been reported in the literature in individuals affected with CFAP410-related conditions. Algorithms developed to predict the effect of missense changes on protein structure and function (SIFT, PolyPhen-2, Align-GVGD) all suggest that this variant is likely to be tolerated. In summary, the available evidence is currently insufficient to determine the role of this variant in disease. Therefore, it has been classified as a Variant of Uncertain Significance. This variant is not present in population databases (gnomAD no frequency). This sequence change replaces serine, which is neutral and polar, with arginine, which is basic and polar, at codon 136 of the CFAP410 protein (p.Ser136Arg).

NM_004928.3(CFAP410):c.408T>G (p.Ser136Arg)

Gene: CFAP410 (cilia and flagella associated protein 410; minus strand). Cytogenetic location: 21q22.3.
Variant type: single nucleotide variant.
Coding change: c.408T>G on transcript NM_004928.3 (MANE Select); coding-DNA position 408, T replaced by G.
Protein change: p.Ser136Arg; replaces serine 136 with arginine.
Molecular consequence: missense variant.
Genome position (GRCh38, 1-based): chr21:44,331,980, A>C on the plus strand (T>G on the coding strand, the complement: CFAP410 is on the minus strand). VCF-style: chr21-44331980-A-C. GRCh37 (hg19) VCF-style: chr21-45751863-A-C.
Other names: c.408T>G, p.Ser136Arg (NM_001271440.2, NM_001271441.2); c.285T>G, p.Ser95Arg (NM_001271442.1); short protein forms S136R, S95R.
Identifiers: ClinVar variation 1936125 (VCV001936125.5), dbSNP rs2047657820, ClinGen allele CA410454703.